The following is an entry in ClinVar:

NM_004795.4(KL):c.1933C>G (p.Gln645Glu)

Gene: KL (klotho; plus strand). Cytogenetic location: 13q13.1.
Variant type: single nucleotide variant.
Coding change: c.1933C>G on transcript NM_004795.4 (MANE Select); coding-DNA position 1933, C replaced by G.
Protein change: p.Gln645Glu; replaces glutamine 645 with glutamic acid.
Molecular consequence: missense variant.
Genome position (GRCh38, 1-based): chr13:33,061,012, C>G. VCF-style: chr13-33061012-C-G. GRCh37 (hg19) VCF-style: chr13-33635149-C-G.
Other names: c.1933C>G (NM_004795.3); short protein forms Q645E.
Identifiers: ClinVar variation 2121837 (VCV002121837.5), dbSNP rs751157280, ClinGen allele CA6944207.
Genomic context (GRCh38, chr13:33,061,012, plus strand): 5'-GAGCTTGTCCGTGTCAACATCACCCCAGTGGTGGCCCTGTGGCAGCCTATGGCCCCGAAC[C>G]AAGGACTGCCGCGCCTCCTGGCCAGGCAGGGCGCCTGGGAGAACCCCTACACTGCCCTGG-3'
Protein context (NP_004786.2, residues 635-655): VALWQPMAPN[Gln645Glu]GLPRLLARQG

ClinVar aggregate classification (germline): Uncertain significance. Review status: criteria provided, multiple submitters, no conflicts (2 of 4 stars). 2 submissions from 2 submitters: Uncertain significance (2). Last evaluated 2024-11-10.

Allele frequency attached by ClinVar (database versions not stated): gnomAD exomes 0.00001; ExAC 0.00002; TOPMed 0.00005.
gnomAD v4.1: 5 of 1,612,892 alleles (0.00031%); highest among the groups gnomAD compares: Admixed American, 0.0083%; no homozygotes.

Submissions (2):

Ambry Genetics
Classification: Uncertain significance. Last evaluated: 2024-11-10. Review status: criteria provided, single submitter. Criteria: Ambry Variant Classification Scheme 2023. Collection method: clinical testing. Allele origin: germline.

Labcorp Genetics (formerly Invitae), Labcorp
Classification: Uncertain significance. Last evaluated: 2024-04-16. Review status: criteria provided, single submitter. Criteria: Invitae Variant Classification Sherloc (09022015). Collection method: clinical testing. Allele origin: germline.
Comment: This sequence change replaces glutamine, which is neutral and polar, with glutamic acid, which is acidic and polar, at codon 645 of the KL protein (p.Gln645Glu). This variant is present in population databases (rs751157280, gnomAD 0.01%). This variant has not been reported in the literature in individuals affected with KL-related conditions. ClinVar contains an entry for this variant (Variation ID: 2121837). Advanced modeling of protein sequence and biophysical properties (such as structural, functional, and spatial information, amino acid conservation, physicochemical variation, residue mobility, and thermodynamic stability) performed at Invitae indicates that this missense variant is not expected to disrupt KL protein function with a negative predictive value of 80%. In summary, the available evidence is currently insufficient to determine the role of this variant in disease. Therefore, it has been classified as a Variant of Uncertain Significance.